The following is an entry in ClinVar:

ClinVar aggregate classification (germline): Benign (1 of 4 stars; one submission).

Conditions:
Familial cancer of breast. Also called: BREAST CANCER, FAMILIAL; Hereditary breast cancer; hereditary breast carcinoma. Identifiers: Orphanet 227535, MedGen C0346153, MONDO:0016419, OMIM 114480. Disease mechanism: loss of function.

Submission:

Myriad Genetics, Inc.
Classification: Benign for Familial cancer of breast. Last evaluated: 2024-05-16. Review status: criteria provided, single submitter. Criteria: Myriad Autosomal Dominant, Autosomal Recessive and X-Linked Classification Criteria (2023). Collection method: clinical testing. Allele origin: unknown.
Comment: This variant is considered benign. This variant is a silent/synonymous amino acid change and it is not expected to impact splicing.

NM_000051.4(ATM):c.4044G>A (p.Leu1348=)

Gene: ATM (ATM serine/threonine kinase; plus strand). Cytogenetic location: 11q22.3.
Variant type: single nucleotide variant.
Coding change: c.4044G>A on transcript NM_000051.4 (MANE Select); coding-DNA position 4044, G replaced by A.
Protein change: p.Leu1348=; no amino-acid change (leucine 1348 retained).
Molecular consequence: synonymous variant.
Genome position (GRCh38, 1-based): chr11:108,287,650, G>A. VCF-style: chr11-108287650-G-A. GRCh37 (hg19) VCF-style: chr11-108158377-G-A.
Other names: c.4044G>A, p.Leu1348= (NM_001351834.2).
Identifiers: ClinVar variation 3254439 (VCV003254439.1), dbSNP rs2135736190.